The following is an entry in ClinVar:

NM_001372.4(DNAH9):c.5785G>A (p.Val1929Met)

Gene: DNAH9 (dynein axonemal heavy chain 9; plus strand). Cytogenetic location: 17p12.
Variant type: single nucleotide variant.
Coding change: c.5785G>A on transcript NM_001372.4 (MANE Select); coding-DNA position 5785, G replaced by A.
Protein change: p.Val1929Met; replaces valine 1929 with methionine.
Molecular consequence: missense variant.
Genome position (GRCh38, 1-based): chr17:11,727,893, G>A. VCF-style: chr17-11727893-G-A. GRCh37 (hg19) VCF-style: chr17-11631210-G-A.
Other names: c.5785G>A (NM_001372.3); short protein forms V1929M.
Identifiers: ClinVar variation 1455280 (VCV001455280.11), dbSNP rs150023546, ClinGen allele CA8396108.
Genomic context (GRCh38, chr17:11,727,893, plus strand): 5'-TACAAAGGCCTTGCTCAGACTGGTGCCTGGGGCTGCTTTGATGAGTTTAATCGAATCTCC[G>A]TGGAGGTCTTGTCAGTGGTGGCAGTGCAGGTAAGGGCCAGAAGTTGGTGGGAGCCTTGTG-3'
Protein context (NP_001363.2, residues 1919-1939): GCFDEFNRIS[Val1929Met]EVLSVVAVQV

ClinVar aggregate classification (germline): Likely benign. Review status: criteria provided, multiple submitters, no conflicts (2 of 4 stars). 3 submissions from 3 submitters: Likely benign (2). 1 of the submissions does not count toward it. Last evaluated 2025-12-27.

Conditions:
DNAH9-related disorder. Also called: DNAH9-related condition.

Allele frequency attached by ClinVar (database versions not stated): ESP Exome Variant Server 0.00023; 1000 Genomes Project 30x 0.00047; 1000 Genomes Project 0.00060.
gnomAD v4.1: 504 of 1,614,060 alleles (0.031%); highest among the groups gnomAD compares: South Asian, 0.25%; 4 homozygotes.

Submissions (3):

Labcorp Genetics (formerly Invitae), Labcorp
Classification: Likely benign. Last evaluated: 2025-12-27. Review status: criteria provided, single submitter. Criteria: Invitae Variant Classification Sherloc (09022015). Collection method: clinical testing. Allele origin: germline.

Blueprint Genetics
Classification: Likely benign. Last evaluated: 2024-10-10. Review status: criteria provided, single submitter. Criteria: ACMG Guidelines, 2015. Collection method: clinical testing. Allele origin: germline.

PreventionGenetics, part of Exact Sciences
Classification: Likely benign for DNAH9-related condition. Last evaluated: 2022-02-08. Review status: no assertion criteria provided. Collection method: clinical testing. Allele origin: germline. Not counted in ClinVar's aggregate classification.
Comment: This variant is classified as likely benign based on ACMG/AMP sequence variant interpretation guidelines (Richards et al. 2015 PMID: 25741868, with internal and published modifications).